The following is an entry in ClinVar:

ClinVar aggregate classification (germline): Uncertain significance (1 of 4 stars; one submission).

Conditions:
Pseudohypoparathyroidism type I A (PHP1A). Also called: Pseudohypoparathyroidism Type IA; ALBRIGHT HEREDITARY OSTEODYSTROPHY WITH MULTIPLE HORMONE RESISTANCE; PHP IA; Pseudohypoparathyroidism type 1A; Pseudohypoparathyroidism Ia (PHP-Ia). Identifiers: Orphanet 79443, MedGen C3494506, MONDO:0007078, OMIM 103580.

gnomAD v4.1: 10 of 1,610,970 alleles (0.00062%); highest among the groups gnomAD compares: Admixed American, 0.0017%; no homozygotes.

Submission:

HudsonAlpha Institute for Biotechnology
Classification: Uncertain significance for Pseudohypoparathyroidism type I A. Last evaluated: 2021-10-18. Review status: criteria provided, single submitter. Criteria: ACMG Guidelines, 2015. Collection method: research. Allele origin: paternal. Observed: 1 variant allele. Study: HudsonAlpha-AGHI-WGS.
Comment: ACMG codes: PM2, PP3

NM_016592.5(GNAS):c.7C>T (p.Arg3Trp)

Genes: GNAS (GNAS complex locus; plus strand), GNAS-AS1 (GNAS antisense RNA 1; minus strand). Cytogenetic location: 20q13.32.
Variant type: single nucleotide variant.
Coding change: c.7C>T on transcript NM_016592.5 (MANE Plus Clinical); coding-DNA position 7, C replaced by T.
Protein change: p.Arg3Trp; replaces arginine 3 with tryptophan.
Molecular consequence: missense variant. On other transcripts: 5 prime UTR variant (1).
Genome position (GRCh38, 1-based): chr20:58,840,113, C>T. VCF-style: chr20-58840113-C-T. GRCh37 (hg19) VCF-style: chr20-57415168-C-T.
Other names: c.-731C>T (NM_001410912.1); short protein forms R3W.
Identifiers: ClinVar variation 1684502 (VCV001684502.2), dbSNP rs202131370, ClinGen allele CA9926227.